The following is an entry in ClinVar:

ClinVar aggregate classification (germline): Pathogenic (1 of 4 stars; one submission).

Conditions:
Townes-Brocks syndrome 1 (TBS1). Also called: SALL1-Related Townes-Brocks Syndrome; DEAFNESS, SENSORINEURAL, WITH IMPERFORATE ANUS AND THUMB ANOMALIES; REAR SYNDROME; RENAL-EAR-ANAL-RADIAL SYNDROME. Identifiers: Orphanet 857, MedGen C4551481, MONDO:0054581, OMIM 107480.

Submission:

Centre de Biologie Pathologie Génétique, Centre Hospitalier Universitaire de Lille
Classification: Pathogenic for Townes-Brocks syndrome 1. Last evaluated: 2025-02-27. Review status: criteria provided, single submitter. Criteria: ACMG Guidelines, 2015. Collection method: clinical testing. Allele origin: inherited. Inheritance: Autosomal dominant inheritance. Affected: yes.
Comment: PVS1 + PM2 + PP4 + PP1

NM_002968.3(SALL1):c.3034del (p.Cys1012fs)

Gene: SALL1 (spalt like transcription factor 1; minus strand). Cytogenetic location: 16q12.1.
Variant type: Deletion.
Coding change: c.3034del on transcript NM_002968.3 (MANE Select); coding-DNA position 3034, one base deleted (T; older notation c.3034delT).
Protein change: p.Cys1012fs; shifts the reading frame from cysteine 1012.
Molecular consequence: frameshift variant.
Genome position (GRCh38, 1-based): chr16:51,139,188, A deleted on the plus strand (T on the coding strand, the reverse complement: SALL1 is on the minus strand); the first of 2 consecutive A bases (chr16:51,139,188-51,139,189); deleting either gives the same sequence. VCF-style (leftmost placement, unchanged base first): chr16-51139187-CA-C. GRCh37 (hg19) VCF-style: chr16-51173098-CA-C.
Other names: c.2743del, p.Cys915fs (NM_001127892.2); short protein forms C1012fs, C915fs.
Identifiers: ClinVar variation 3765529 (VCV003765529.1).